The following is an entry in ClinVar:

ClinVar aggregate classification (germline): Uncertain significance (1 of 4 stars; one submission).

Allele frequency attached by ClinVar (database versions not stated): gnomAD exomes 0.00002; ExAC 0.00003; gnomAD 0.00003; TOPMed 0.00004.
gnomAD v4.1: 39 of 1,207,380 alleles (0.0032%); highest among the groups gnomAD compares: Non-Finnish European, 0.0041%; no homozygotes.

Submission:

Labcorp Genetics (formerly Invitae), Labcorp
Classification: Uncertain significance. Last evaluated: 2023-02-13. Review status: criteria provided, single submitter. Criteria: Invitae Variant Classification Sherloc (09022015). Collection method: clinical testing. Allele origin: germline.
Comment: This sequence change replaces glycine, which is neutral and non-polar, with valine, which is neutral and non-polar, at codon 800 of the CACNA1F protein (p.Gly800Val). The frequency data for this variant in the population databases is considered unreliable, as metrics indicate poor data quality at this position in the gnomAD database. This variant has not been reported in the literature in individuals affected with CACNA1F-related conditions. ClinVar contains an entry for this variant (Variation ID: 1059044). Advanced modeling of protein sequence and biophysical properties (such as structural, functional, and spatial information, amino acid conservation, physicochemical variation, residue mobility, and thermodynamic stability) performed at Invitae indicates that this missense variant is not expected to disrupt CACNA1F protein function. Algorithms developed to predict the effect of sequence changes on RNA splicing suggest that this variant may create or strengthen a splice site. In summary, the available evidence is currently insufficient to determine the role of this variant in disease. Therefore, it has been classified as a Variant of Uncertain Significance.

NM_001256789.3(CACNA1F):c.2366G>T (p.Gly789Val)

Gene: CACNA1F (calcium voltage-gated channel subunit alpha1 F; minus strand). Cytogenetic location: Xp11.23.
Variant type: single nucleotide variant.
Coding change: c.2366G>T on transcript NM_001256789.3 (MANE Select); coding-DNA position 2366, G replaced by T.
Protein change: p.Gly789Val; replaces glycine 789 with valine.
Molecular consequence: missense variant.
Genome position (GRCh38, 1-based): chrX:49,220,493, C>A on the plus strand (G>T on the coding strand, the complement: CACNA1F is on the minus strand). VCF-style: chrX-49220493-C-A. GRCh37 (hg19) VCF-style: chrX-49076952-C-A.
Other names: c.2204G>T, p.Gly735Val (NM_001256790.3); c.2399G>T, p.Gly800Val (NM_005183.4); short protein forms G735V, G789V, G800V.
Identifiers: ClinVar variation 1059044 (VCV001059044.7), dbSNP rs782102814, ClinGen allele CA10410688.